The following is an entry in ClinVar:

ClinVar aggregate classification (germline): Pathogenic. Review status: criteria provided, multiple submitters, no conflicts (2 of 4 stars). 2 submissions from 2 submitters: Pathogenic (2). Last evaluated 2023-06-06.

Conditions:
Familial cancer of breast. Also called: Hereditary breast cancer; hereditary breast carcinoma; BREAST CANCER, FAMILIAL. Identifiers: Orphanet 227535, MedGen C0346153, MONDO:0016419, OMIM 114480. Disease mechanism: loss of function.
Fanconi anemia complementation group J. Also called: BRIP1-Related Fanconi Anemia. Identifiers: Orphanet 84, MedGen C1836860, MONDO:0012187, OMIM 609054.

Allele frequency attached by ClinVar (database versions not stated): gnomAD exomes below 0.00001.
gnomAD v4.1: 1 of 1,613,566 alleles (0.000062%); highest among the groups gnomAD compares: Middle Eastern, 0.017%; no homozygotes.

Submissions (2):

Myriad Genetics, Inc.
Classification: Pathogenic for Familial cancer of breast. Last evaluated: 2023-06-06. Review status: criteria provided, single submitter. Criteria: Myriad Autosomal Dominant, Autosomal Recessive and X-Linked Classification Criteria (2023). Collection method: clinical testing. Allele origin: unknown.
Comment: This variant is considered pathogenic. This variant creates a termination codon and is predicted to result in premature protein truncation.

Labcorp Genetics (formerly Invitae), Labcorp
Classification: Pathogenic for Familial cancer of breast; Fanconi anemia complementation group J. Last evaluated: 2021-12-23. Review status: criteria provided, single submitter. Criteria: Invitae Variant Classification Sherloc (09022015). Collection method: clinical testing. Allele origin: germline.
Comment: For these reasons, this variant has been classified as Pathogenic. This variant has not been reported in the literature in individuals affected with BRIP1-related conditions. This variant is not present in population databases (gnomAD no frequency). This sequence change creates a premature translational stop signal (p.Trp708*) in the BRIP1 gene. It is expected to result in an absent or disrupted protein product. Loss-of-function variants in BRIP1 are known to be pathogenic (PMID: 16116423, 17033622, 21964575).

Literature cited by the submitters: PubMed 16116423 (cited by Labcorp Genetics (formerly Invitae), Labcorp); PubMed 17033622 (cited by Labcorp Genetics (formerly Invitae), Labcorp); PubMed 21964575 (cited by Labcorp Genetics (formerly Invitae), Labcorp).

NM_032043.3(BRIP1):c.2123G>A (p.Trp708Ter)

Gene: BRIP1 (BRCA1 interacting DNA helicase 1; minus strand). Cytogenetic location: 17q23.2.
Variant type: single nucleotide variant.
Coding change: c.2123G>A on transcript NM_032043.3 (MANE Select); coding-DNA position 2123, G replaced by A.
Protein change: p.Trp708Ter; replaces tryptophan 708 with a stop codon.
Molecular consequence: nonsense.
Genome position (GRCh38, 1-based): chr17:61,744,566, C>T on the plus strand (G>A on the coding strand, the complement: BRIP1 is on the minus strand). VCF-style: chr17-61744566-C-T. GRCh37 (hg19) VCF-style: chr17-59821927-C-T.
Other names: short protein forms W708*.
Identifiers: ClinVar variation 2056147 (VCV002056147.6), dbSNP rs2144700629, ClinGen allele CA400483294.